The following is an entry in ClinVar:

ClinVar aggregate classification (germline): Likely benign. Review status: criteria provided, multiple submitters, no conflicts (2 of 4 stars). 4 submissions from 4 submitters: Likely benign (3). 1 of the submissions does not count toward it. Last evaluated 2026-01-12.

Conditions:
SLX4-related disorder. Also called: SLX4-related condition.
Fanconi anemia (FA). Also called: Fanconi's anemia. Identifiers: Orphanet 84, MedGen C0015625, MeSH D005199, MONDO:0019391.

Allele frequency attached by ClinVar (database versions not stated): gnomAD 0.00002; ExAC 0.00007; TOPMed 0.00007; gnomAD exomes 0.00009 and 0.00010.

Submissions (4):

Labcorp Genetics (formerly Invitae), Labcorp
Classification: Likely benign for Fanconi anemia. Last evaluated: 2026-01-12. Review status: criteria provided, single submitter. Criteria: Invitae Variant Classification Sherloc (09022015). Collection method: clinical testing. Allele origin: germline.

Blueprint Genetics
Classification: Likely benign. Last evaluated: 2024-06-07. Review status: criteria provided, single submitter. Criteria: ACMG Guidelines, 2015. Collection method: clinical testing. Allele origin: germline.

Genetic Services Laboratory, University of Chicago
Classification: Likely benign. Last evaluated: 2021-10-19. Review status: criteria provided, single submitter. Criteria: ACMG Guidelines, 2015. Collection method: clinical testing. Allele origin: germline. Affected: no.

PreventionGenetics, part of Exact Sciences
Classification: Likely benign for SLX4-related condition. Last evaluated: 2024-04-05. Review status: no assertion criteria provided. Collection method: clinical testing. Allele origin: germline. Not counted in ClinVar's aggregate classification.
Comment: This variant is classified as likely benign based on ACMG/AMP sequence variant interpretation guidelines (Richards et al. 2015 PMID: 25741868, with internal and published modifications).

NM_032444.4(SLX4):c.2055C>T (p.Val685=)

Gene: SLX4 (SLX4 structure-specific endonuclease subunit; minus strand). Cytogenetic location: 16p13.3.
Variant type: single nucleotide variant.
Coding change: c.2055C>T on transcript NM_032444.4 (MANE Select); coding-DNA position 2055, C replaced by T.
Protein change: p.Val685=; no amino-acid change (valine 685 retained).
Molecular consequence: synonymous variant.
Genome position (GRCh38, 1-based): chr16:3,594,558, G>A on the plus strand (C>T on the coding strand, the complement: SLX4 is on the minus strand). VCF-style: chr16-3594558-G-A. GRCh37 (hg19) VCF-style: chr16-3644559-G-A.
Other names: c.2055C>T (LRG_503t1).
Identifiers: ClinVar variation 456295 (VCV000456295.15), dbSNP rs775934995, ClinGen allele CA7866302.